The following is an entry in ClinVar:

ClinVar aggregate classification (germline): Pathogenic (1 of 4 stars; one submission).

Conditions:
Galactosylceramide beta-galactosidase deficiency. Also called: GALACTOCEREBROSIDASE DEFICIENCY; GALC DEFICIENCY; GLOBOID CELL LEUKOENCEPHALOPATHY; Leukodystrophy, Globoid Cell; Krabbe Disease. Identifiers: Orphanet 487, MedGen C0023521, MONDO:0009499, OMIM 245200.

Submission:

Labcorp Genetics (formerly Invitae), Labcorp
Classification: Pathogenic for Galactosylceramide beta-galactosidase deficiency. Last evaluated: 2025-09-02. Review status: criteria provided, single submitter. Criteria: Invitae Variant Classification Sherloc (09022015). Collection method: clinical testing. Allele origin: germline.
Comment: This sequence change creates a premature translational stop signal (p.Thr433Asnfs*8) in the GALC gene. It is expected to result in an absent or disrupted protein product. Loss-of-function variants in GALC are known to be pathogenic (PMID: 7437911, 9272171, 16607461). This variant is not present in population databases (gnomAD no frequency). This variant has not been reported in the literature in individuals affected with GALC-related conditions. ClinVar contains an entry for this variant (Variation ID: 2761018). For these reasons, this variant has been classified as Pathogenic.

Literature cited by the submitters: PubMed 7437911; PubMed 9272171; PubMed 16607461.

NM_000153.4(GALC):c.1297dup (p.Thr433fs)

Gene: GALC (galactosylceramidase; minus strand). Cytogenetic location: 14q31.3.
Variant type: Duplication.
Coding change: c.1297dup on transcript NM_000153.4 (MANE Select); coding-DNA position 1297, one base duplicated (A; older notation c.1297dupA).
Protein change: p.Thr433fs; shifts the reading frame from threonine 433.
Molecular consequence: frameshift variant. On other transcripts: non-coding transcript variant (1).
Genome position (GRCh38, 1-based): chr14:87,949,886, T duplicated on the plus strand (A on the coding strand, the reverse complement: GALC is on the minus strand); the first of 5 consecutive T bases (chr14:87,949,886-87,949,890); duplicating any one gives the same sequence. VCF-style (leftmost placement, unchanged base first): chr14-87949885-G-GT. GRCh37 (hg19) VCF-style: chr14-88416229-G-GT.
Other names: c.1228dup, p.Thr410fs (NM_001201401.2); c.1219dup, p.Thr407fs (NM_001201402.2); c.1129dup, p.Thr377fs (NM_001424071.1, NM_001424072.1, NM_001424073.1); c.949dup, p.Thr317fs (NM_001424074.1, NM_001424075.1); c.664dup, p.Thr222fs (NM_001424076.1, NM_001424077.1); short protein forms T317fs, T377fs, T222fs, T407fs, T433fs, T410fs.
Identifiers: ClinVar variation 2761018 (VCV002761018.3), dbSNP rs2503371935, ClinGen allele CA2697554077.
Genomic context (GRCh38, chr14:87,949,885, plus strand): 5'-AGAATTTACTTTAAAATTACCCATAGAGAATCCAGCTGCTTAAAAAGAAATCTTTCGGAT[G>GT]TTTTTCCAAGTTTGGTATACCATACCTGTAGCTCTGGTATTTCACTCTGTAAAGAAAAGA-3'